The following is an entry in ClinVar:

ClinVar aggregate classification (germline): Conflicting classifications of pathogenicity. Review status: criteria provided, conflicting classifications (1 of 4 stars). 4 submissions from 3 submitters: Uncertain significance (3); Benign (1). Last evaluated 2023-11-19.

Conditions:
Autosomal recessive ataxia, Beauce type. Also called: SYNE1 Deficiency; SYNE1-Related Autosomal Recessive Cerebellar Ataxia; Spinocerebellar ataxia, autosomal recessive 8; ATAXIA, RECESSIVE, OF BEAUCE. Identifiers: Orphanet 88644, MedGen C1853116, MONDO:0012549, OMIM 610743.
Emery-Dreifuss muscular dystrophy 4, autosomal dominant (EDMD4). Also called: EMERY-DREIFUSS MUSCULAR DYSTROPHY 4 WITH VARIABLE FEATURES. Identifiers: Orphanet 261, MedGen C2751807, MONDO:0013071, OMIM 612998.

Allele frequency attached by ClinVar (database versions not stated): ExAC 0.00002; TOPMed 0.00002; gnomAD exomes 0.00004.
gnomAD v4.1: 8 of 1,614,164 alleles (0.0005%); highest among the groups gnomAD compares: East Asian, 0.018%; no homozygotes.

Submissions (4):

Labcorp Genetics (formerly Invitae), Labcorp
Classification: Uncertain significance for Emery-Dreifuss muscular dystrophy 4, autosomal dominant; Autosomal recessive ataxia, Beauce type. Last evaluated: 2023-11-19. Review status: criteria provided, single submitter. Criteria: Invitae Variant Classification Sherloc (09022015). Collection method: clinical testing. Allele origin: germline.
Comment: This sequence change replaces leucine, which is neutral and non-polar, with proline, which is neutral and non-polar, at codon 2787 of the SYNE1 protein (p.Leu2787Pro). This variant is present in population databases (rs757960938, gnomAD 0.06%). This variant has not been reported in the literature in individuals affected with SYNE1-related conditions. ClinVar contains an entry for this variant (Variation ID: 355900). An algorithm developed to predict the effect of missense changes on protein structure and function (PolyPhen-2) suggests that this variant¬†is likely to be tolerated. In summary, the available evidence is currently insufficient to determine the role of this variant in disease. Therefore, it has been classified as a Variant of Uncertain Significance.

Athena Diagnostics
Classification: Uncertain significance. Last evaluated: 2021-10-04. Review status: criteria provided, single submitter. Criteria: Athena Diagnostics Criteria. Collection method: clinical testing. Allele origin: unknown.

Illumina Laboratory Services, Illumina
Classification: Uncertain significance for Autosomal recessive ataxia, Beauce type. Last evaluated: 2018-01-12. Review status: criteria provided, single submitter. Criteria: ICSL Variant Classification Criteria 13 December 2019. Collection method: clinical testing. Allele origin: germline.

Illumina Laboratory Services, Illumina
Classification: Benign for Emery-Dreifuss muscular dystrophy 4, autosomal dominant. Last evaluated: 2018-01-12. Review status: criteria provided, single submitter. Criteria: ICSL Variant Classification Criteria 13 December 2019. Collection method: clinical testing. Allele origin: germline.
Comment: This variant was observed in the ICSL laboratory as part of a predisposition screen in an ostensibly healthy population. It had not been previously curated by ICSL or reported in the Human Gene Mutation Database (HGMD: prior to June 1st, 2018), and was therefore a candidate for classification through an automated scoring system. Utilizing variant allele frequency, disease prevalence and penetrance estimates, and inheritance mode, an automated score was calculated to assess if this variant is too frequent to cause the disease. Based on the score and internal cut-off values, a variant classified as benign is not then subjected to further curation. The score for this variant resulted in a classification of benign for this disease.

NM_182961.4(SYNE1):c.8339T>C (p.Leu2780Pro)

Gene: SYNE1 (spectrin repeat containing nuclear envelope protein 1; minus strand). Cytogenetic location: 6q25.2.
Variant type: single nucleotide variant.
Coding change: c.8339T>C on transcript NM_182961.4 (MANE Select); coding-DNA position 8339, T replaced by C.
Protein change: p.Leu2780Pro; replaces leucine 2780 with proline.
Molecular consequence: missense variant.
Genome position (GRCh38, 1-based): chr6:152,387,220, A>G on the plus strand (T>C on the coding strand, the complement: SYNE1 is on the minus strand). VCF-style: chr6-152387220-A-G. GRCh37 (hg19) VCF-style: chr6-152708355-A-G.
Other names: c.8360T>C, p.Leu2787Pro (NM_033071.5); short protein forms L2787P, L2780P.
Identifiers: ClinVar variation 355900 (VCV000355900.11), dbSNP rs757960938, ClinGen allele CA4057568.